The following is an entry in ClinVar:

ClinVar aggregate classification (germline): Pathogenic. Review status: criteria provided, multiple submitters, no conflicts (2 of 4 stars). 2 submissions from 2 submitters: Pathogenic (2). Last evaluated 2026-06-10.

Conditions:
Inborn genetic diseases. Identifiers: MedGen C0950123, MeSH D030342.

Allele frequency attached by ClinVar (database versions not stated): gnomAD exomes below 0.00001.

Submissions (2):

Ambry Genetics
Classification: Pathogenic for Inborn genetic diseases. Last evaluated: 2026-06-10. Review status: criteria provided, single submitter. Criteria: Ambry Variant Classification Scheme 2023. Collection method: clinical testing. Allele origin: germline.
Comment: The c.1931_1932delCT (p.P644Rfs*14) alteration, located in exon 8 (coding exon 7) of the SETD1A gene, consists of a deletion of 2 nucleotides from position 1931 to 1932, causing a translational frameshift with a predicted alternate stop codon after 14 amino acids. This variant is expected to result in loss of function by premature protein truncation or nonsense-mediated mRNA decay. Based on data from gnomAD, this allele has an overall frequency of <0.001% (1/233248) total alleles studied. The highest observed frequency was 0.001% (1/103422) of European (non-Finnish) alleles. Based on the available evidence, this alteration is classified as pathogenic.

GeneDx
Classification: Pathogenic. Last evaluated: 2026-04-13. Review status: criteria provided, single submitter. Criteria: GeneDx Variant Classification Process June 2021. Collection method: clinical testing. Allele origin: germline.
Comment: Frameshift variant predicted to result in protein truncation or nonsense mediated decay in a gene for which loss of function is a known mechanism of disease; Not observed at significant frequency in large population cohorts (gnomAD); Has not been previously published as pathogenic or benign to our knowledge

NM_014712.3(SETD1A):c.1931_1932del (p.Pro644fs)

Gene: SETD1A (SET domain containing 1A, histone lysine methyltransferase; plus strand). Cytogenetic location: 16p11.2.
Variant type: Deletion.
Coding change: c.1931_1932del on transcript NM_014712.3 (MANE Select); coding-DNA positions 1931 to 1932, 2 bases deleted (CT; older notation c.1931_1932delCT).
Protein change: p.Pro644fs; shifts the reading frame from proline 644.
Molecular consequence: frameshift variant.
Genome position (GRCh38, 1-based): chr16:30,965,812-30,965,813, CT deleted. VCF-style (leftmost placement, unchanged base first): chr16-30965811-CCT-C. GRCh37 (hg19) VCF-style: chr16-30977132-CCT-C.
Other names: c.1931_1932delCT (NM_014712.1); short protein forms P644fs.
Identifiers: ClinVar variation 1800796 (VCV001800796.3), dbSNP rs1567353425, ClinGen allele CA622170746.